The following is an entry in ClinVar:

NM_022356.4(P3H1):c.1224-57_1253del

Gene: P3H1 (prolyl 3-hydroxylase 1; minus strand). Cytogenetic location: 1p34.2.
Variant type: Deletion.
Coding change: c.1224-57_1253del on transcript NM_022356.4 (MANE Select); 57 bases into the intron before coding-DNA position 1224 through coding-DNA position 1253, 87 bases deleted.
Molecular consequence: splice acceptor variant.
Genome position (GRCh38, 1-based): chr1:42,754,961-42,755,047, 87 bases deleted. GRCh37 (hg19): chr1:43,220,634-43,220,720.
Other names: c.1224-57_1253del (NM_001146289.2, NM_001243246.2).
Identifiers: ClinVar variation 2704537 (VCV002704537.3), dbSNP rs2524450482, ClinGen allele CA2697552347.

ClinVar aggregate classification (germline): Likely pathogenic (1 of 4 stars; one submission).

Conditions:
Osteogenesis imperfecta type 8 (OI8). Identifiers: MedGen C1970458, MONDO:0012581, OMIM 610915.

Submission:

Labcorp Genetics (formerly Invitae), Labcorp
Classification: Likely pathogenic for Osteogenesis imperfecta type 8. Last evaluated: 2023-12-20. Review status: criteria provided, single submitter. Criteria: Invitae Variant Classification Sherloc (09022015). Collection method: clinical testing. Allele origin: germline.
Comment: This variant results in the deletion of part of exon 8 (c.1224-57_1253del) of the P3H1 gene. It is expected to disrupt RNA splicing. Variants that disrupt the donor or acceptor splice site typically lead to a loss of protein function (PMID: 16199547), and loss-of-function variants in P3H1 are known to be pathogenic (PMID: 17277775, 18566967, 19088120, 22281939). This variant is not present in population databases (gnomAD no frequency). This variant has not been reported in the literature in individuals affected with P3H1-related conditions. In summary, the currently available evidence indicates that the variant is pathogenic, but additional data are needed to prove that conclusively. Therefore, this variant has been classified as Likely Pathogenic.

Literature cited by the submitters: PubMed 16199547; PubMed 17277775; PubMed 18566967; PubMed 19088120; PubMed 22281939.